The following is an entry in ClinVar:

ClinVar aggregate classification (germline): Uncertain significance (1 of 4 stars; one submission).

Conditions:
Kabuki syndrome. Also called: Kabuki make-up syndrome; NIIKAWA-KUROKI SYNDROME. Identifiers: Orphanet 2322, MedGen C0796004, MONDO:0016512.

Submission:

Labcorp Genetics (formerly Invitae), Labcorp
Classification: Uncertain significance for Kabuki syndrome. Last evaluated: 2022-09-19. Review status: criteria provided, single submitter. Criteria: Invitae Variant Classification Sherloc (09022015). Collection method: clinical testing. Allele origin: germline.
Comment: This variant is not present in population databases (gnomAD no frequency). In summary, the available evidence is currently insufficient to determine the role of this variant in disease. Therefore, it has been classified as a Variant of Uncertain Significance. Advanced modeling of protein sequence and biophysical properties (such as structural, functional, and spatial information, amino acid conservation, physicochemical variation, residue mobility, and thermodynamic stability) performed at Invitae indicates that this missense variant is not expected to disrupt KMT2D protein function. ClinVar contains an entry for this variant (Variation ID: 1370757). This variant has not been reported in the literature in individuals affected with KMT2D-related conditions. This sequence change replaces alanine, which is neutral and non-polar, with aspartic acid, which is acidic and polar, at codon 4334 of the KMT2D protein (p.Ala4334Asp).

NM_003482.4(KMT2D):c.13001C>A (p.Ala4334Asp)

Gene: KMT2D (lysine methyltransferase 2D; minus strand). Cytogenetic location: 12q13.12.
Variant type: single nucleotide variant.
Coding change: c.13001C>A on transcript NM_003482.4 (MANE Select); coding-DNA position 13001, C replaced by A.
Protein change: p.Ala4334Asp; replaces alanine 4334 with aspartic acid.
Molecular consequence: missense variant.
Genome position (GRCh38, 1-based): chr12:49,031,704, G>T on the plus strand (C>A on the coding strand, the complement: KMT2D is on the minus strand). VCF-style: chr12-49031704-G-T. GRCh37 (hg19) VCF-style: chr12-49425487-G-T.
Other names: short protein forms A4334D.
Identifiers: ClinVar variation 1370757 (VCV001370757.8), dbSNP rs183702050, ClinGen allele CA384708047.